The following is an entry in ClinVar:

ClinVar aggregate classification (germline): Likely benign (1 of 4 stars; one submission).

Submission:

CeGaT Center for Human Genetics Tuebingen
Classification: Likely benign. Last evaluated: 2023-01-01. Review status: criteria provided, single submitter. Criteria: CeGaT Center For Human Genetics Tuebingen Variant Classification Criteria Version 2. Collection method: clinical testing. Allele origin: germline. Affected: yes. Observed: 1 variant allele.
Comment: SLC5A7: PM2:Supporting, BP4, BP7

NM_021815.5(SLC5A7):c.402A>T (p.Ala134=)

Gene: SLC5A7 (solute carrier family 5 member 7; plus strand). Cytogenetic location: 2q12.3.
Variant type: single nucleotide variant.
Coding change: c.402A>T on transcript NM_021815.5 (MANE Select); coding-DNA position 402, A replaced by T.
Protein change: p.Ala134=; no amino-acid change (alanine 134 retained).
Molecular consequence: synonymous variant. On other transcripts: 5 prime UTR variant (1).
Genome position (GRCh38, 1-based): chr2:107,993,081, A>T. VCF-style: chr2-107993081-A-T. GRCh37 (hg19) VCF-style: chr2-108609537-A-T.
Other names: c.402A>T, p.Ala134= (NM_001305005.3); c.87A>T, p.Ala29= (NM_001305006.3); c.-303A>T (NM_001305007.3).
Identifiers: ClinVar variation 2651241 (VCV002651241.24), dbSNP rs747681196, ClinGen allele CA427885222.